The following is an entry in ClinVar:

NM_000548.5(TSC2):c.1019T>C (p.Leu340Pro)

Gene: TSC2 (TSC complex subunit 2; plus strand). Cytogenetic location: 16p13.3.
Variant type: single nucleotide variant.
Coding change: c.1019T>C on transcript NM_000548.5 (MANE Select); coding-DNA position 1019, T replaced by C.
Protein change: p.Leu340Pro; replaces leucine 340 with proline.
Molecular consequence: missense variant.
Genome position (GRCh38, 1-based): chr16:2,060,713, T>C. VCF-style: chr16-2060713-T-C. GRCh37 (hg19) VCF-style: chr16-2110714-T-C.
Other names: c.1019T>C, p.Leu340Pro (NM_001077183.3, NM_001114382.3, NM_001363528.2 and 3 more transcripts); c.908T>C, p.Leu303Pro (NM_001318827.2); c.872T>C, p.Leu291Pro (NM_001318829.2); c.419T>C, p.Leu140Pro (NM_001318831.2); c.1052T>C, p.Leu351Pro (NM_001318832.2); c.1019T>C (NM_000548.4); short protein forms L340P, L351P, L140P, L291P, L303P.
Identifiers: ClinVar variation 65264 (VCV000065264.9), dbSNP rs397515192, ClinGen allele CA013603.
Genomic context (GRCh38, chr16:2,060,713, plus strand): 5'-CCGGGCTCGTGTTCCAGGCCATGGCATGTCCGAACGAGGTGGTGTCCTATGAGATCGTCC[T>C]GTCCATCACCAGGCTCATCAAGAAGTATAGGAAGGAGCTCCAGGTGGTGGCGTGGGACAT-3'
Protein context (NP_000539.2, residues 330-350): PNEVVSYEIV[Leu340Pro]SITRLIKKYR

ClinVar aggregate classification (germline): Conflicting classifications of pathogenicity. Review status: criteria provided, conflicting classifications (1 of 4 stars). 4 submissions from 4 submitters: Likely pathogenic (2); Uncertain significance (1). 1 of the submissions does not count toward it. Last evaluated 2025-12-08.

Conditions:
TSC2-related disorder. Also called: TSC2-Related Disorders; TSC2-related condition.
Tuberous sclerosis syndrome (TSC). Also called: Tuberous Sclerosis Complex; Tuberous sclerosis. Identifiers: Orphanet 805, MedGen C0041341, MONDO:0001734.
Tuberous sclerosis 2 (TSC2). Identifiers: Orphanet 805, MedGen C1860707, MONDO:0013199, OMIM 613254.

Allele frequency attached by ClinVar (database versions not stated): TOPMed below 0.00001.

Submissions (4):

PreventionGenetics, part of Exact Sciences
Classification: Likely pathogenic for TSC2-related condition. Last evaluated: 2025-12-08. Review status: criteria provided, single submitter. Criteria: ACMG Guidelines, 2015. Collection method: clinical testing. Allele origin: germline.
Comment: The TSC2 c.1019T>C variant is predicted to result in the amino acid substitution p.Leu340Pro. This variant was reported in individuals with clinical features consistent with tuberous sclerosis (Rosset et al. 2017. PubMed ID: 28968464; Lei et al. 2021. PubMed ID: 34246755; PreventionGenetics internal data). This variant has not been reported in a large population database (gnomAD), indicating it is rare. It is classified as uncertain in ClinVar (Variation ID: 65264). Functional studies indicate that this variant disrupts TSC2 protein function (Hoogeveen-Westerveld et al. 2011. PubMed ID: 21309039). This variant is interpreted as likely pathogenic.

Clinical Genetics and Genomics, Karolinska University Hospital
Classification: Likely pathogenic for Tuberous sclerosis 2. Last evaluated: 2025-03-28. Review status: criteria provided, single submitter. Criteria: ACMG Guidelines, 2015. Collection method: clinical testing. Allele origin: germline. Inheritance: Autosomal dominant inheritance. Affected: yes.

Labcorp Genetics (formerly Invitae), Labcorp
Classification: Uncertain significance for Tuberous sclerosis 2. Last evaluated: 2022-12-12. Review status: criteria provided, single submitter. Criteria: Invitae Variant Classification Sherloc (09022015). Collection method: clinical testing. Allele origin: germline.
Comment: This sequence change replaces leucine, which is neutral and non-polar, with proline, which is neutral and non-polar, at codon 340 of the TSC2 protein (p.Leu340Pro). This variant is not present in population databases (gnomAD no frequency). This missense change has been observed in individual(s) with clinical features of TSC2-related conditions (PMID: 28968464, 34246755). ClinVar contains an entry for this variant (Variation ID: 65264). Advanced modeling of protein sequence and biophysical properties (such as structural, functional, and spatial information, amino acid conservation, physicochemical variation, residue mobility, and thermodynamic stability) performed at Invitae indicates that this missense variant is not expected to disrupt TSC2 protein function. Experimental studies have shown that this missense change affects TSC2 function (PMID: 21309039). Algorithms developed to predict the effect of sequence changes on RNA splicing suggest that this variant may disrupt the consensus splice site. In summary, the available evidence is currently insufficient to determine the role of this variant in disease. Therefore, it has been classified as a Variant of Uncertain Significance.

Tuberous sclerosis database (TSC2)
No classification provided. Condition: TSC. Review status: no classification provided. Criteria: Tuberous Sclerosis Database Assertion Criteria 2015. Collection method: curation. Allele origin: germline. Affected: yes. Not counted in ClinVar's aggregate classification.

Literature cited by the submitters: PubMed 28968464 (cited by Labcorp Genetics (formerly Invitae), Labcorp); PubMed 34246755 (cited by Labcorp Genetics (formerly Invitae), Labcorp); PubMed 21309039 (cited by Labcorp Genetics (formerly Invitae), Labcorp).